The following is an entry in ClinVar:

NC_000016.10:g.(?_78278583)_(78432772_?)del

Gene: WWOX (WW domain containing oxidoreductase; plus strand). Cytogenetic location: 16q23.1.
Variant type: Deletion.
Identifiers: ClinVar variation 832075 (VCV000832075.1).

ClinVar aggregate classification (germline): Likely pathogenic (1 of 4 stars; one submission).

Conditions:
Autosomal recessive spinocerebellar ataxia 12. Also called: SPINOCEREBELLAR ATAXIA WITH MENTAL RETARDATION AND EPILEPSY. Identifiers: Orphanet 284282, MedGen C3280452, MONDO:0013687, OMIM 614322.
Developmental and epileptic encephalopathy, 1 (DEE1). Also called: Epileptic encephalopathy, early infantile, 1; X-linked infantile spasms; West's syndrome; Tonic spasms with clustering, arrest of psychomotor development and hypsarrhythmia on EEG; X-Linked Infantile Spasm Syndrome; OHTAHARA SYNDROME, X-LINKED. Identifiers: MedGen C3463992, MONDO:0010632, OMIM 308350. Disease mechanism: loss of function.

Submission:

Labcorp Genetics (formerly Invitae), Labcorp
Classification: Likely pathogenic for Epileptic encephalopathy, early infantile, 1; Spinocerebellar ataxia, autosomal recessive 12. Last evaluated: 2019-03-28. Review status: criteria provided, single submitter. Criteria: Invitae Variant Classification Sherloc (09022015). Collection method: clinical testing. Allele origin: germline.
Comment: This variant is an in-frame deletion of the genomic region encompassing exons 6-8 of the WWOX gene. It preserves the integrity of the reading frame. A similar deletion of exons 6-8 has been observed on the opposite chromosome (in trans) from a pathogenic variant in an individual affected with infantile epileptic encephalopathy (PMID: 25411445). This finding is consistent with autosomal recessive inheritance, and suggests that this variant contributes to disease. In summary, the currently available evidence indicates that the variant is pathogenic, but additional data are needed to prove that conclusively. Therefore, this variant has been classified as Likely Pathogenic.

Literature cited by the submitters: PubMed 25411445.